The following is an entry in ClinVar:

NM_000100.4(CSTB):c.*69A>G

Gene: CSTB (cystatin B; minus strand). Cytogenetic location: 21q22.3.
Variant type: single nucleotide variant.
Coding change: c.*69A>G on transcript NM_000100.4 (MANE Select); 69 bases downstream of the stop codon, A replaced by G.
Molecular consequence: 3 prime UTR variant.
Genome position (GRCh38, 1-based): chr21:43,774,133, T>C on the plus strand (A>G on the coding strand, the complement: CSTB is on the minus strand). VCF-style: chr21-43774133-T-C. GRCh37 (hg19) VCF-style: chr21-45194014-T-C.
Identifiers: ClinVar variation 340120 (VCV000340120.7), dbSNP rs142767585, ClinGen allele CA10653658.
Genomic context (GRCh38, chr21:43,774,133, plus strand): 5'-CCTGCCCCTTCCACCCCAAGGGGCACAGCCCGGAGATGAAGCTTATTTTAGGATCACAAG[T>C]GCACGCTCTGGTAGACGGAGGATGACTTTGTCAGTCTTCTGGCTGAAGGGCCTTGTCCAA-3'

ClinVar aggregate classification (germline): Likely benign. Review status: criteria provided, multiple submitters, no conflicts (2 of 4 stars). 3 submissions from 3 submitters: Likely benign (3). Last evaluated 2018-07-07.

Conditions:
Unverricht-Lundborg syndrome. Also called: Unverricht-Lundborg Disease; EPILEPSY, PROGRESSIVE MYOCLONIC, 1A; Progressive myoclonus epilepsy baltic myoclonic epilepsy; Myoclonus progressive epilepsy of Unverricht and Lundborg; Epilepsy, progressive myoclonic 1A (Unverricht and Lundborg); Myoclonic epilepsy of unverricht and lundborg. Identifiers: Orphanet 308, MedGen C0751785, MONDO:0009698, OMIM 254800.

Allele frequency attached by ClinVar (database versions not stated): gnomAD exomes 0.00074; 1000 Genomes Project 0.00659; 1000 Genomes Project 30x 0.00687; gnomAD 0.00736 and 0.00798; TOPMed 0.00874.
gnomAD v4.1: 2,274 of 1,604,390 alleles (0.14%); highest among the groups gnomAD compares: African/African-American, 2.5%; 23 homozygotes.

Submissions (3):

GeneDx
Classification: Likely benign. Last evaluated: 2018-07-07. Review status: criteria provided, single submitter. Criteria: GeneDx Variant Classification (06012015). Collection method: clinical testing. Allele origin: germline. Affected: yes.

Illumina Laboratory Services, Illumina
Classification: Likely benign for Unverricht-Lundborg syndrome. Last evaluated: 2018-01-13. Review status: criteria provided, single submitter. Criteria: ICSL Variant Classification Criteria 13 December 2019. Collection method: clinical testing. Allele origin: germline.
Comment: This variant was observed in the ICSL laboratory as part of a predisposition screen in an ostensibly healthy population. It had not been previously curated by ICSL or reported in the Human Gene Mutation Database (HGMD: prior to June 1st, 2018), and was therefore a candidate for classification through an automated scoring system. Utilizing variant allele frequency, disease prevalence and penetrance estimates, and inheritance mode, an automated score was calculated to assess if this variant is too frequent to cause the disease. Based on the score and internal cut-off values, a variant classified as likely benign is not then subjected to further curation. The score for this variant resulted in a classification of likely benign for this disease.

Breakthrough Genomics
Classification: Likely benign. Review status: criteria provided, single submitter. Criteria: ACMG Guidelines, 2015. Collection method: not provided. Allele origin: germline. Inheritance: Autosomal recessive inheritance. Affected: yes.